The following is an entry in ClinVar:

ClinVar aggregate classification (germline): Pathogenic (1 of 4 stars; one submission).

gnomAD v4.1: 1 of 1,614,034 alleles (0.000062%); highest among the groups gnomAD compares: Non-Finnish European, 0.000085%; no homozygotes.

Submission:

CeGaT Center for Human Genetics Tuebingen
Classification: Pathogenic. Last evaluated: 2025-12-01. Review status: criteria provided, single submitter. Criteria: CeGaT Center For Human Genetics Tuebingen Variant Classification Criteria Version 2. Collection method: clinical testing. Allele origin: germline. Affected: yes. Observed: 1 variant allele.
Comment: CYP2U1: PVS1, PM2, PM3:Supporting

NM_183075.3(CYP2U1):c.704T>A (p.Leu235Ter)

Gene: CYP2U1 (cytochrome P450 family 2 subfamily U member 1; plus strand). Cytogenetic location: 4q25.
Variant type: single nucleotide variant.
Coding change: c.704T>A on transcript NM_183075.3 (MANE Select); coding-DNA position 704, T replaced by A.
Protein change: p.Leu235Ter; replaces leucine 235 with a stop codon.
Molecular consequence: nonsense.
Genome position (GRCh38, 1-based): chr4:107,945,183, T>A. VCF-style: chr4-107945183-T-A. GRCh37 (hg19) VCF-style: chr4-108866339-T-A.
Other names: short protein forms L235*.
Identifiers: ClinVar variation 4681551 (VCV004681551.5).